The following is an entry in ClinVar:

ClinVar aggregate classification (germline): Uncertain significance (1 of 4 stars; one submission).

Conditions:
Imerslund-Grasbeck syndrome. Also called: Megaloblastic anemia due to inborn errors of metabolism; PERNICIOUS ANEMIA, JUVENILE, DUE TO SELECTIVE INTESTINAL MALABSORPTION OF VITAMIN B12, WITH PROTEINURIA; ENTEROCYTE COBALAMIN MALABSORPTION; ENTEROCYTE INTRINSIC FACTOR RECEPTOR, DEFECT OF; Imerslund-Gräsbeck syndrome. Identifiers: Orphanet 35858, MedGen C4551825, MONDO:0009853.

Submission:

Labcorp Genetics (formerly Invitae), Labcorp
Classification: Uncertain significance for Imerslund-Grasbeck syndrome. Last evaluated: 2025-02-17. Review status: criteria provided, single submitter. Criteria: Invitae Variant Classification Sherloc (09022015). Collection method: clinical testing. Allele origin: germline.
Comment: This sequence change replaces proline, which is neutral and non-polar, with leucine, which is neutral and non-polar, at codon 3277 of the CUBN protein (p.Pro3277Leu). This variant is not present in population databases (gnomAD no frequency). This variant has not been reported in the literature in individuals affected with CUBN-related conditions. ClinVar contains an entry for this variant (Variation ID: 2696719). Invitae Evidence Modeling of protein sequence and biophysical properties (such as structural, functional, and spatial information, amino acid conservation, physicochemical variation, residue mobility, and thermodynamic stability) indicates that this missense variant is not expected to disrupt CUBN protein function with a negative predictive value of 80%. In summary, the available evidence is currently insufficient to determine the role of this variant in disease. Therefore, it has been classified as a Variant of Uncertain Significance.

NM_001081.4(CUBN):c.9830C>T (p.Pro3277Leu)

Gene: CUBN (cubilin; minus strand). Cytogenetic location: 10p13.
Variant type: single nucleotide variant.
Coding change: c.9830C>T on transcript NM_001081.4 (MANE Select); coding-DNA position 9830, C replaced by T.
Protein change: p.Pro3277Leu; replaces proline 3277 with leucine.
Molecular consequence: missense variant.
Genome position (GRCh38, 1-based): chr10:16,840,532, G>A on the plus strand (C>T on the coding strand, the complement: CUBN is on the minus strand). VCF-style: chr10-16840532-G-A. GRCh37 (hg19) VCF-style: chr10-16882531-G-A.
Other names: short protein forms P3277L.
Identifiers: ClinVar variation 2696719 (VCV002696719.3), dbSNP rs2491158616, ClinGen allele CA376124125.